The following is an entry in ClinVar:

ClinVar aggregate classification (germline): Uncertain significance (1 of 4 stars; one submission).

Conditions:
Cardiovascular phenotype. Identifiers: MedGen CN230736.

Submission:

Ambry Genetics
Classification: Uncertain significance for Cardiovascular phenotype. Last evaluated: 2026-08-19. Review status: criteria provided, single submitter. Criteria: Ambry Variant Classification Scheme 2023. Collection method: clinical testing. Allele origin: germline.
Comment: The p.L1792S variant (also known as c.5375T>C), located in coding exon 23 of the DSP gene, results from a T to C substitution at nucleotide position 5375. The leucine at codon 1792 is replaced by serine, an amino acid with dissimilar properties. This amino acid position is conserved. In addition, the in silico prediction for this alteration is inconclusive. Based on the available evidence, the clinical significance of this variant remains unclear.

NM_004415.4(DSP):c.5375T>C (p.Leu1792Ser)

Gene: DSP (desmoplakin; plus strand). Cytogenetic location: 6p24.3.
Variant type: single nucleotide variant.
Coding change: c.5375T>C on transcript NM_004415.4 (MANE Select); coding-DNA position 5375, T replaced by C.
Protein change: p.Leu1792Ser; replaces leucine 1792 with serine.
Molecular consequence: missense variant. On other transcripts: intron variant (2).
Genome position (GRCh38, 1-based): chr6:7,581,565, T>C. VCF-style: chr6-7581565-T-C. GRCh37 (hg19) VCF-style: chr6-7581798-T-C.
Other names: c.4051-1077T>C (NM_001319034.2); c.3583-1077T>C (NM_001008844.3); short protein forms L1792S.
Identifiers: ClinVar variation 5035659 (VCV005035659.1).